The following is an entry in ClinVar:

NM_017763.6(RNF43):c.142A>G (p.Ile48Val)

Gene: RNF43 (ring finger protein 43; minus strand). Cytogenetic location: 17q22.
Variant type: single nucleotide variant.
Coding change: c.142A>G on transcript NM_017763.6 (MANE Select); coding-DNA position 142, A replaced by G.
Protein change: p.Ile48Val; replaces isoleucine 48 with valine.
Molecular consequence: missense variant.
Genome position (GRCh38, 1-based): chr17:58,415,436, T>C on the plus strand (A>G on the coding strand, the complement: RNF43 is on the minus strand). VCF-style: chr17-58415436-T-C. GRCh37 (hg19) VCF-style: chr17-56492797-T-C.
Other names: c.142A>G, p.Ile48Val (NM_001305544.3); short protein forms I48V.
Identifiers: ClinVar variation 2988304 (VCV002988304.3), dbSNP rs1318096583, ClinGen allele CA400358476.

ClinVar aggregate classification (germline): Uncertain significance (1 of 4 stars; one submission).

Allele frequency attached by ClinVar (database versions not stated): TOPMed below 0.00001.

Submission:

Labcorp Genetics (formerly Invitae), Labcorp
Classification: Uncertain significance. Last evaluated: 2022-12-11. Review status: criteria provided, single submitter. Criteria: Invitae Variant Classification Sherloc (09022015). Collection method: clinical testing. Allele origin: germline.
Comment: In summary, the available evidence is currently insufficient to determine the role of this variant in disease. Therefore, it has been classified as a Variant of Uncertain Significance. Algorithms developed to predict the effect of missense changes on protein structure and function are either unavailable or do not agree on the potential impact of this missense change (SIFT: "Tolerated"; PolyPhen-2: "Probably Damaging"; Align-GVGD: "Class C0"). This variant has not been reported in the literature in individuals affected with RNF43-related conditions. This variant is not present in population databases (gnomAD no frequency). This sequence change replaces isoleucine, which is neutral and non-polar, with valine, which is neutral and non-polar, at codon 48 of the RNF43 protein (p.Ile48Val).